The following is an entry in ClinVar:

NC_000001.10:g.(?_243385006)_(243480215_?)del

Genes: SDCCAG8 (SHH signaling and ciliogenesis regulator SDCCAG8; plus strand), CEP170 (centrosomal protein 170; minus strand). Cytogenetic location: 1q43.
Variant type: Deletion.
Identifiers: ClinVar variation 3247837 (VCV003247837.1).

ClinVar aggregate classification (germline): Pathogenic (1 of 4 stars; one submission).

Conditions:
Bardet-Biedl syndrome 16 (BBS16). Identifiers: Orphanet 110, MedGen C3889474, MONDO:0014444, OMIM 615993.
Senior-Loken syndrome 7 (SLSN7). Identifiers: Orphanet 3156, MedGen C3150877, MONDO:0013326, OMIM 613615.

Submission:

Labcorp Genetics (formerly Invitae), Labcorp
Classification: Pathogenic for Bardet-Biedl syndrome 16; Senior-Loken syndrome 7. Last evaluated: 2022-12-27. Review status: criteria provided, single submitter. Criteria: Invitae Variant Classification Sherloc (09022015). Collection method: clinical testing. Allele origin: unknown.
Comment: For these reasons, this variant has been classified as Pathogenic. This variant has not been reported in the literature in individuals affected with SDCCAG8-related conditions. This variant is a gross deletion of the genomic region encompassing exon(s) 1-9 of the SDCCAG8 gene, which includes the initiator codon. This deletion extends beyond the assayed region for this gene and therefore may encompass additional genes. It is expected to result in an absent or disrupted protein product. Loss-of-function variants in SDCCAG8 are known to be pathogenic (PMID: 20835237, 22190896).

Literature cited by the submitters: PubMed 20835237; PubMed 22190896.